The following is an entry in ClinVar:

NM_020436.5(SALL4):c.412G>A (p.Gly138Ser)

Gene: SALL4 (spalt like transcription factor 4; minus strand). Cytogenetic location: 20q13.2.
Variant type: single nucleotide variant.
Coding change: c.412G>A on transcript NM_020436.5 (MANE Select); coding-DNA position 412, G replaced by A.
Protein change: p.Gly138Ser; replaces glycine 138 with serine.
Molecular consequence: missense variant.
Genome position (GRCh38, 1-based): chr20:51,792,071, C>T on the plus strand (G>A on the coding strand, the complement: SALL4 is on the minus strand). VCF-style: chr20-51792071-C-T. GRCh37 (hg19) VCF-style: chr20-50408610-C-T.
Other names: c.412G>A, p.Gly138Ser (NM_001318031.2); short protein forms G138S.
Identifiers: ClinVar variation 2738315 (VCV002738315.4), dbSNP rs768953160, ClinGen allele CA9912464.

ClinVar aggregate classification (germline): Conflicting classifications of pathogenicity. Review status: criteria provided, conflicting classifications (1 of 4 stars). 2 submissions from 2 submitters: Uncertain significance (1); Likely benign (1). Last evaluated 2023-10-22.

Conditions:
Duane-radial ray syndrome (DRRS). Also called: Duane-Radial Ray Syndrome/Okihiro Syndrome; ACRORENOOCULAR SYNDROME; Okihiro Syndrome; DR SYNDROME; DUANE ANOMALY WITH RADIAL RAY ABNORMALITIES AND DEAFNESS; Duane-Radial Ray Syndrome (DRRS) / Okihiro Syndrome. Identifiers: Orphanet 93293, Orphanet 959, MedGen C1623209, MONDO:0011812, OMIM 607323. Disease mechanism: gain of function.

Allele frequency attached by ClinVar (database versions not stated): gnomAD 0.00002.
gnomAD v4.1: 30 of 1,614,054 alleles (0.0019%); highest among the groups gnomAD compares: African/African-American, 0.0053%; no homozygotes.

Submissions (2):

Labcorp Genetics (formerly Invitae), Labcorp
Classification: Uncertain significance for Duane-radial ray syndrome. Last evaluated: 2023-10-22. Review status: criteria provided, single submitter. Criteria: Invitae Variant Classification Sherloc (09022015). Collection method: clinical testing. Allele origin: germline.
Comment: This sequence change replaces glycine, which is neutral and non-polar, with serine, which is neutral and polar, at codon 138 of the SALL4 protein (p.Gly138Ser). This variant is present in population databases (rs768953160, gnomAD 0.003%). This variant has not been reported in the literature in individuals affected with SALL4-related conditions. Algorithms developed to predict the effect of missense changes on protein structure and function output the following: SIFT: "Not Available"; PolyPhen-2: "Benign"; Align-GVGD: "Not Available". The serine amino acid residue is found in multiple mammalian species, which suggests that this missense change does not adversely affect protein function. In summary, the available evidence is currently insufficient to determine the role of this variant in disease. Therefore, it has been classified as a Variant of Uncertain Significance.

Blueprint Genetics
Classification: Likely benign. Last evaluated: 2021-12-16. Review status: criteria provided, single submitter. Criteria: ACMG Guidelines, 2015. Collection method: clinical testing. Allele origin: germline.